The following is an entry in ClinVar:

NM_004369.4(COL6A3):c.4291G>C (p.Glu1431Gln)

Gene: COL6A3 (collagen type VI alpha 3 chain; minus strand). Cytogenetic location: 2q37.3.
Variant type: single nucleotide variant.
Coding change: c.4291G>C on transcript NM_004369.4 (MANE Select); coding-DNA position 4291, G replaced by C.
Protein change: p.Glu1431Gln; replaces glutamic acid 1431 with glutamine.
Molecular consequence: missense variant.
Genome position (GRCh38, 1-based): chr2:237,369,172, C>G on the plus strand (G>C on the coding strand, the complement: COL6A3 is on the minus strand). VCF-style: chr2-237369172-C-G. GRCh37 (hg19) VCF-style: chr2-238277815-C-G.
Other names: c.3673G>C, p.Glu1225Gln (NM_057167.4); c.2470G>C, p.Glu824Gln (NM_057166.5); short protein forms E1225Q, E1431Q, E824Q.
Identifiers: ClinVar variation 2429203 (VCV002429203.2), dbSNP rs1223202953, ClinGen allele CA351193882.
Genomic context (GRCh38, chr2:237,369,172, plus strand): 5'-CATCTGGCCTAACTCCCTCAGAGCTGTCGATCAGAAAGACAATGTCTGCAGCATCACTCT[C>G]AACTGCTGCAGATCAAAGAAGAAAAAGGGAAACATTCAGTGTGTAAGTAGCCCTCACCCA-3'
Protein context (NP_004360.2, residues 1421-1441): ASTRYPPPAV[Glu1431Gln]SDAADIVFLI

ClinVar aggregate classification (germline): Uncertain significance (1 of 4 stars; one submission).

Allele frequency attached by ClinVar (database versions not stated): gnomAD exomes below 0.00001.
gnomAD v4.1: 1 of 1,610,524 alleles (0.000062%); highest among the groups gnomAD compares: Non-Finnish European, 0.000085%; no homozygotes.

Submission:

Women's Health and Genetics/Laboratory Corporation of America, LabCorp
Classification: Uncertain significance. Last evaluated: 2023-01-03. Review status: criteria provided, single submitter. Criteria: LabCorp Variant Classification Summary - May 2015. Collection method: clinical testing. Allele origin: germline.
Comment: Variant summary: COL6A3 c.4291G>C (p.Glu1431Gln) results in a conservative amino acid change in the encoded protein sequence. Four of five in-silico tools predict a benign effect of the variant on protein function. The variant allele was found at a frequency of 4.1e-06 in 245182 control chromosomes. The available data on variant occurrences in the general population are insufficient to allow any conclusion about variant significance. To our knowledge, no occurrence of c.4291G>C in individuals affected with Ullrich Congenital Muscular Dystrophy 1 and no experimental evidence demonstrating its impact on protein function have been reported. No clinical diagnostic laboratories have submitted clinical-significance assessments for this variant to ClinVar after 2014. Based on the evidence outlined above, the variant was classified as uncertain significance.